The following is an entry in ClinVar:

ClinVar aggregate classification (germline): Uncertain significance. Review status: criteria provided, multiple submitters, no conflicts (2 of 4 stars). 2 submissions from 2 submitters: Uncertain significance (2). Last evaluated 2025-04-17.

Conditions:
Inborn genetic diseases. Identifiers: MedGen C0950123, MeSH D030342.
Fanconi anemia (FA). Also called: Fanconi's anemia. Identifiers: Orphanet 84, MedGen C0015625, MeSH D005199, MONDO:0019391.

Allele frequency attached by ClinVar (database versions not stated): gnomAD exomes below 0.00001.
gnomAD v4.1: 1 of 1,611,970 alleles (0.000062%); highest among the groups gnomAD compares: Non-Finnish European, 0.000085%; no homozygotes.

Submissions (2):

Ambry Genetics
Classification: Uncertain significance for Inborn genetic diseases. Last evaluated: 2025-04-17. Review status: criteria provided, single submitter. Criteria: Ambry Variant Classification Scheme 2023. Collection method: clinical testing. Allele origin: germline.
Comment: The p.S1291G variant (also known as c.3871A>G), located in coding exon 14 of the FANCM gene, results from an A to G substitution at nucleotide position 3871. The serine at codon 1291 is replaced by glycine, an amino acid with similar properties. This amino acid position is conserved. In addition, this alteration is predicted to be tolerated by in silico analysis. Based on the available evidence, the clinical significance of this variant remains unclear.

Labcorp Genetics (formerly Invitae), Labcorp
Classification: Uncertain significance for Fanconi anemia. Last evaluated: 2022-09-23. Review status: criteria provided, single submitter. Criteria: Invitae Variant Classification Sherloc (09022015). Collection method: clinical testing. Allele origin: germline.
Comment: This sequence change replaces serine, which is neutral and polar, with glycine, which is neutral and non-polar, at codon 1291 of the FANCM protein (p.Ser1291Gly). This variant is not present in population databases (gnomAD no frequency). This variant has not been reported in the literature in individuals affected with FANCM-related conditions. Algorithms developed to predict the effect of missense changes on protein structure and function output the following: SIFT: "Tolerated"; PolyPhen-2: "Benign"; Align-GVGD: "Class C0". The glycine amino acid residue is found in multiple mammalian species, which suggests that this missense change does not adversely affect protein function. In summary, the available evidence is currently insufficient to determine the role of this variant in disease. Therefore, it has been classified as a Variant of Uncertain Significance.

NM_020937.4(FANCM):c.3871A>G (p.Ser1291Gly)

Gene: FANCM (FA complementation group M; plus strand). Cytogenetic location: 14q21.2.
Variant type: single nucleotide variant.
Coding change: c.3871A>G on transcript NM_020937.4 (MANE Select); coding-DNA position 3871, A replaced by G.
Protein change: p.Ser1291Gly; replaces serine 1291 with glycine.
Molecular consequence: missense variant.
Genome position (GRCh38, 1-based): chr14:45,176,625, A>G. VCF-style: chr14-45176625-A-G. GRCh37 (hg19) VCF-style: chr14-45645828-A-G.
Other names: c.3793A>G, p.Ser1265Gly (NM_001308133.2); short protein forms S1265G, S1291G.
Identifiers: ClinVar variation 1987681 (VCV001987681.5), dbSNP rs1888721228, ClinGen allele CA389603378.
Genomic context (GRCh38, chr14:45,176,625, plus strand): 5'-GATGCAAATTATGTTTCGAATCAAGCACTAATACCAAGAGATCATAGTAAAAATTTTACT[A>G]GTGGAACTGTTATTATCCCATCAAATGAAGATATGCAGAATCCAAATTATGTACATTTGC-3'
Protein context (NP_065988.1, residues 1281-1301): IPRDHSKNFT[Ser1291Gly]GTVIIPSNED